The following is an entry in ClinVar:

NM_001211.6(BUB1B):c.3049G>A (p.Ala1017Thr)

Genes: BUB1B (BUB1 mitotic checkpoint serine/threonine kinase B; plus strand), BUB1B-PAK6 (BUB1B-PAK6 readthrough; plus strand). Cytogenetic location: 15q15.1.
Variant type: single nucleotide variant.
Coding change: c.3049G>A on transcript NM_001211.6 (MANE Select); coding-DNA position 3049, G replaced by A.
Protein change: p.Ala1017Thr; replaces alanine 1017 with threonine.
Molecular consequence: missense variant. On other transcripts: intron variant (2).
Genome position (GRCh38, 1-based): chr15:40,220,655, G>A. VCF-style: chr15-40220655-G-A. GRCh37 (hg19) VCF-style: chr15-40512856-G-A.
Other names: c.-201+2988G>A (NM_001128628.3); c.-118+2988G>A (NM_001128629.3); short protein forms A1017T.
Identifiers: ClinVar variation 1444351 (VCV001444351.10), dbSNP rs748723428, ClinGen allele CA7476189.

ClinVar aggregate classification (germline): Uncertain significance. Review status: criteria provided, multiple submitters, no conflicts (2 of 4 stars). 2 submissions from 2 submitters: Uncertain significance (2). Last evaluated 2025-06-20.

Conditions:
Inborn genetic diseases. Identifiers: MedGen C0950123, MeSH D030342.
Mosaic variegated aneuploidy syndrome 1 (MVA1). Also called: Warburton-Anyane-Yeboa syndrome. Identifiers: Orphanet 1052, MedGen C1850343, MONDO:0009759, OMIM 257300.

Allele frequency attached by ClinVar (database versions not stated): gnomAD exomes below 0.00001 and 0.00001; ExAC 0.00001.
gnomAD v4.1: 2 of 1,614,220 alleles (0.00012%); highest among the groups gnomAD compares: East Asian, 0.0045%; no homozygotes.

Submissions (2):

Ambry Genetics
Classification: Uncertain significance for Inborn genetic diseases. Last evaluated: 2025-06-20. Review status: criteria provided, single submitter. Criteria: Ambry Variant Classification Scheme 2023. Collection method: clinical testing. Allele origin: germline.
Comment: The p.A1017T variant (also known as c.3049G>A), located in coding exon 23 of the BUB1B gene, results from a G to A substitution at nucleotide position 3049. The alanine at codon 1017 is replaced by threonine, an amino acid with similar properties. This amino acid position is conserved. In addition, this alteration is predicted to be tolerated by in silico analysis. Since supporting evidence is limited at this time, the clinical significance of this alteration remains unclear.

Labcorp Genetics (formerly Invitae), Labcorp
Classification: Uncertain significance for Mosaic variegated aneuploidy syndrome 1. Last evaluated: 2023-07-17. Review status: criteria provided, single submitter. Criteria: Invitae Variant Classification Sherloc (09022015). Collection method: clinical testing. Allele origin: germline.
Comment: This variant is present in population databases (rs748723428, gnomAD 0.02%). In summary, the available evidence is currently insufficient to determine the role of this variant in disease. Therefore, it has been classified as a Variant of Uncertain Significance. Algorithms developed to predict the effect of missense changes on protein structure and function output the following: SIFT: "Not Available"; PolyPhen-2: "Benign"; Align-GVGD: "Not Available". The threonine amino acid residue is found in multiple mammalian species, which suggests that this missense change does not adversely affect protein function. ClinVar contains an entry for this variant (Variation ID: 1444351). This variant has not been reported in the literature in individuals affected with BUB1B-related conditions. This sequence change replaces alanine, which is neutral and non-polar, with threonine, which is neutral and polar, at codon 1017 of the BUB1B protein (p.Ala1017Thr).